The following is an entry in ClinVar:

ClinVar aggregate classification (germline): not provided (0 of 4 stars; one submission).

Conditions:
Intellectual disability-microcephaly-strabismus-behavioral abnormalities syndrome. Also called: White-Sutton Syndrome. Identifiers: Orphanet 468678, MedGen C4225351, MONDO:0014606, OMIM 616364.

Submission:

GeneReviews
No classification provided. Condition: Intellectual disability-microcephaly-strabismus-behavioral abnormalities syndrome. Review status: no classification provided. Collection method: literature only. Allele origin: germline.
Comment: Most common C-terminal truncating variant reported

Literature cited by the submitters: PubMed 24463507.

NM_015100.4(POGZ):c.3936del (p.Ile1312fs)

Gene: POGZ (pogo transposable element derived with ZNF domain; minus strand). Cytogenetic location: 1q21.3.
Variant type: Deletion.
Coding change: c.3936del on transcript NM_015100.4 (MANE Select); coding-DNA position 3936, one base deleted (T; older notation c.3936delT).
Protein change: p.Ile1312fs; shifts the reading frame from isoleucine 1312.
Molecular consequence: frameshift variant.
Genome position (GRCh38, 1-based): chr1:151,405,099, A deleted on the plus strand (T on the coding strand, the reverse complement: POGZ is on the minus strand); the first of 2 consecutive A bases (chr1:151,405,099-151,405,100); deleting either gives the same sequence. VCF-style (leftmost placement, unchanged base first): chr1-151405098-CA-C. GRCh37 (hg19) VCF-style: chr1-151377574-CA-C.
Other names: c.3909del, p.Ile1303fs (NM_001194937.2); c.3750del, p.Ile1250fs (NM_001194938.2); c.3651del, p.Ile1217fs (NM_145796.4); c.3777del, p.Ile1259fs (NM_207171.2); short protein forms I1217fs, I1250fs, I1259fs, I1303fs, I1312fs.
Identifiers: ClinVar variation 1301308 (VCV001301308.2), dbSNP rs2102141341, ClinGen allele CA658763439.